The following is an entry in ClinVar:

ClinVar aggregate classification (germline): Uncertain significance (1 of 4 stars; one submission).

Submission:

Labcorp Genetics (formerly Invitae), Labcorp
Classification: Uncertain significance. Last evaluated: 2022-07-12. Review status: criteria provided, single submitter. Criteria: Invitae Variant Classification Sherloc (09022015). Collection method: clinical testing. Allele origin: germline.
Comment: Advanced modeling of protein sequence and biophysical properties (such as structural, functional, and spatial information, amino acid conservation, physicochemical variation, residue mobility, and thermodynamic stability) performed at Invitae indicates that this missense variant is not expected to disrupt CACNA1E protein function. In summary, the available evidence is currently insufficient to determine the role of this variant in disease. Therefore, it has been classified as a Variant of Uncertain Significance. This sequence change replaces histidine, which is basic and polar, with glutamine, which is neutral and polar, at codon 537 of the CACNA1E protein (p.His537Gln). This variant has not been reported in the literature in individuals affected with CACNA1E-related conditions. This variant is not present in population databases (gnomAD no frequency).

NM_001205293.3(CACNA1E):c.1611C>G (p.His537Gln)

Gene: CACNA1E (calcium voltage-gated channel subunit alpha1 E; plus strand). Cytogenetic location: 1q25.3.
Variant type: single nucleotide variant.
Coding change: c.1611C>G on transcript NM_001205293.3 (MANE Select); coding-DNA position 1611, C replaced by G.
Protein change: p.His537Gln; replaces histidine 537 with glutamine.
Molecular consequence: missense variant.
Genome position (GRCh38, 1-based): chr1:181,718,140, C>G. VCF-style: chr1-181718140-C-G. GRCh37 (hg19) VCF-style: chr1-181687276-C-G.
Other names: c.1611C>G, p.His537Gln (NM_000721.4, NM_001205294.2); short protein forms H537Q.
Identifiers: ClinVar variation 2016262 (VCV002016262.4), dbSNP rs2528521682, ClinGen allele CA343625939.
Genomic context (GRCh38, chr1:181,718,140, plus strand): 5'-ACTCTTCCTCTTGGAGATGTCCCTGAAGATGTATGGCATGGGGCCTCGCCTTTATTTTCA[C>G]TCTTCATTCAACTGCTTTGATTTTGGGGTAAGTCCTCGGAAGCCTGCCTCTGCTCCTGCT-3'
Protein context (NP_001192222.1, residues 527-547): MYGMGPRLYF[His537Gln]SSFNCFDFGV